The following is an entry in ClinVar:

ClinVar aggregate classification (germline): Uncertain significance (1 of 4 stars; one submission).

Submission:

GeneDx
Classification: Uncertain significance. Last evaluated: 2025-08-03. Review status: criteria provided, single submitter. Criteria: GeneDx Variant Classification Process June 2021. Collection method: clinical testing. Allele origin: germline. Affected: yes.
Comment: Not observed at significant frequency in large population cohorts (gnomAD); In silico analysis supports that this missense variant has a deleterious effect on protein structure/function; Has not been previously published as pathogenic or benign to our knowledge

NM_001127644.2(GABRA1):c.464T>C (p.Leu155Pro)

Gene: GABRA1 (gamma-aminobutyric acid type A receptor subunit alpha1; plus strand). Cytogenetic location: 5q34.
Variant type: single nucleotide variant.
Coding change: c.464T>C on transcript NM_001127644.2 (MANE Select); coding-DNA position 464, T replaced by C.
Protein change: p.Leu155Pro; replaces leucine 155 with proline.
Molecular consequence: missense variant.
Genome position (GRCh38, 1-based): chr5:161,873,325, T>C. VCF-style: chr5-161873325-T-C. GRCh37 (hg19) VCF-style: chr5-161300331-T-C.
Other names: c.464T>C, p.Leu155Pro (NM_000806.5, NM_001127643.2, NM_001127645.2 and 1 more transcripts); short protein forms L155P.
Identifiers: ClinVar variation 4756024 (VCV004756024.1).